The following is an entry in ClinVar:

NM_017777.4(MKS1):c.821C>T (p.Pro274Leu)

Gene: MKS1 (MKS transition zone complex subunit 1; minus strand). Cytogenetic location: 17q22.
Variant type: single nucleotide variant.
Coding change: c.821C>T on transcript NM_017777.4 (MANE Select); coding-DNA position 821, C replaced by T.
Protein change: p.Pro274Leu; replaces proline 274 with leucine.
Molecular consequence: missense variant.
Genome position (GRCh38, 1-based): chr17:58,213,019, G>A on the plus strand (C>T on the coding strand, the complement: MKS1 is on the minus strand). VCF-style: chr17-58213019-G-A. GRCh37 (hg19) VCF-style: chr17-56290380-G-A.
Other names: c.212C>T, p.Pro71Leu (NM_001321268.2); c.821C>T, p.Pro274Leu (NM_001321269.2, NM_001330397.2); short protein forms P274L, P71L.
Identifiers: ClinVar variation 959436 (VCV000959436.9), dbSNP rs770088105, ClinGen allele CA8669400.

ClinVar aggregate classification (germline): Likely benign. Review status: criteria provided, single submitter (1 of 4 stars). 3 submissions from 3 submitters: Likely benign (1). 2 of the submissions do not count toward it. Last evaluated 2024-10-16.

Conditions:
Meckel syndrome, type 1 (MKS1). Also called: MECKEL-GRUBER SYNDROME, TYPE 1. Identifiers: Orphanet 564, MedGen C3714506, MONDO:0009571, OMIM 249000.
Meckel-Gruber syndrome. Also called: Dysencephalia splachnocystica; DYSENCEPHALIA SPLANCHNOCYSTICA; GRUBER SYNDROME. Identifiers: Orphanet 564, MedGen C0265215, MONDO:0018921.
Joubert syndrome. Also called: JOUBERT-BOLTSHAUSER SYNDROME; Familial aplasia of the vermis. Identifiers: Orphanet 475, MedGen C5979921, MONDO:0018772.
MKS1-related disorder. Also called: MKS1-related disorders; MKS1-related condition. Identifiers: MedGen CN239382.

Allele frequency attached by ClinVar (database versions not stated): gnomAD exomes 0.00003 and 0.00005; TOPMed 0.00003; gnomAD 0.00003; ExAC 0.00005.
gnomAD v4.1: 42 of 1,613,942 alleles (0.0026%); highest among the groups gnomAD compares: South Asian, 0.0022%; no homozygotes.

Submissions (3):

Labcorp Genetics (formerly Invitae), Labcorp
Classification: Likely benign for Joubert syndrome; Meckel-Gruber syndrome. Last evaluated: 2024-10-16. Review status: criteria provided, single submitter. Criteria: Invitae Variant Classification Sherloc (09022015). Collection method: clinical testing. Allele origin: germline.

PreventionGenetics, part of Exact Sciences
Classification: Uncertain significance for MKS1-related condition. Last evaluated: 2024-02-14. Review status: no assertion criteria provided. Collection method: clinical testing. Allele origin: germline. Not counted in ClinVar's aggregate classification.
Comment: The MKS1 c.821C>T variant is predicted to result in the amino acid substitution p.Pro274Leu. To our knowledge, this variant has not been reported in the literature. This variant is reported in 0.089% of alleles in individuals of Ashkenazi Jewish descent in gnomAD. This variant could be benign. At this time, the clinical significance of this variant is uncertain due to the absence of conclusive functional and genetic evidence.

Natera, Inc.
Classification: Uncertain significance for Meckel syndrome type 1. Last evaluated: 2020-10-21. Review status: no assertion criteria provided. Collection method: clinical testing. Allele origin: germline. Not counted in ClinVar's aggregate classification.